The following is an entry in ClinVar:

ClinVar aggregate classification (germline): Pathogenic (1 of 4 stars; one submission).

Conditions:
Hereditary nonpolyposis colorectal neoplasms. Identifiers: MedGen C0009405, MeSH D003123.

Submission:

Labcorp Genetics (formerly Invitae), Labcorp
Classification: Pathogenic for Hereditary nonpolyposis colon cancer. Last evaluated: 2018-03-06. Review status: criteria provided, single submitter. Criteria: Invitae Variant Classification Sherloc (09022015). Collection method: clinical testing. Allele origin: germline.
Comment: A gross deletion of the genomic region encompassing the full coding sequence of the PMS2 gene has been identified. The boundaries of this event are unknown as the deletion extends beyond the assayed region for this gene and therefore may encompass additional genes. Whole gene deletions of PMS2 have been reported in individuals affected with Lynch syndrome (PMID: 20186688, 17453009, 16472587). Loss-of-function variants in PMS2 are known to be pathogenic (PMID: 21376568, 24362816). For these reasons, this variant has been classified as Pathogenic.

Literature cited by the submitters: PubMed 20186688; PubMed 16472587; PubMed 17453009.

NC_000007.14:g.(?_5986753)_(6009025_?)del

Genes: PMS2 (PMS1 homolog 2, mismatch repair system component; minus strand), LOC129997916 (ATAC-STARR-seq lymphoblastoid active region 25614; plus strand). Cytogenetic location: 7p22.1.
Variant type: Deletion.
Identifiers: ClinVar variation 267334 (VCV000267334.1).